The following is an entry in ClinVar:

ClinVar aggregate classification (germline): Pathogenic (1 of 4 stars; one submission).

Submission:

Labcorp Genetics (formerly Invitae), Labcorp
Classification: Pathogenic. Last evaluated: 2021-06-17. Review status: criteria provided, single submitter. Criteria: Invitae Variant Classification Sherloc (09022015). Collection method: clinical testing. Allele origin: germline.
Comment: This sequence change creates a premature translational stop signal (p.Phe78Leufs*8) in the CDH23 gene. It is expected to result in an absent or disrupted protein product. Loss-of-function variants in CDH23 are known to be pathogenic (PMID: 11138009, 21940737). For these reasons, this variant has been classified as Pathogenic. ClinVar contains an entry for this variant (Variation ID: 1076701). This variant has not been reported in the literature in individuals affected with CDH23-related conditions. This variant is not present in population databases (ExAC no frequency).

Literature cited by the submitters: PubMed 11138009; PubMed 21940737.

NM_022124.6(CDH23):c.227_233dup (p.Phe78fs)

Genes: CDH23 (cadherin related 23; plus strand), CDH23-AS1 (CDH23 antisense RNA 1; minus strand). Cytogenetic location: 10q22.1.
Variant type: Duplication.
Coding change: c.227_233dup on transcript NM_022124.6 (MANE Select); coding-DNA positions 227 to 233, 7 bases duplicated (GCTTCTT; older notation c.227_233dupGCTTCTT).
Protein change: p.Phe78fs; shifts the reading frame from phenylalanine 78.
Molecular consequence: frameshift variant.
Genome position (GRCh38, 1-based): chr10:71,510,163-71,510,169, GCTTCTT duplicated. VCF-style (leftmost placement, unchanged base first): chr10-71510162-C-CGCTTCTT. GRCh37 (hg19) VCF-style: chr10-73269919-C-CGCTTCTT.
Other names: c.227_233dup, p.Phe78fs (NM_001171930.2, NM_001171931.2, NM_001171932.2 and 1 more transcripts); short protein forms F78fs.
Identifiers: ClinVar variation 1076701 (VCV001076701.7), dbSNP rs2132196113, ClinGen allele CA2499220320.